The following is an entry in ClinVar:

ClinVar aggregate classification (germline): Likely benign. Review status: criteria provided, single submitter (1 of 4 stars). 2 submissions from 2 submitters: Likely benign (1). 1 of the submissions does not count toward it. Last evaluated 2026-07-01.

Conditions:
NUP188-related disorder. Also called: NUP188-related condition.

Allele frequency attached by ClinVar (database versions not stated): ESP Exome Variant Server 0.00023; gnomAD exomes 0.00032; gnomAD 0.00058; ExAC 0.00066; TOPMed 0.00075; 1000 Genomes Project 30x 0.00344; 1000 Genomes Project 0.00379.
gnomAD v4.1: 576 of 1,594,000 alleles (0.036%); highest among the groups gnomAD compares: East Asian, 0.99%; 3 homozygotes.

Submissions (2):

CeGaT Center for Human Genetics Tuebingen
Classification: Likely benign. Last evaluated: 2026-07-01. Review status: criteria provided, single submitter. Criteria: CeGaT Center For Human Genetics Tuebingen Variant Classification Criteria Version 2. Collection method: clinical testing. Allele origin: germline. Affected: yes. Observed: 1 variant allele.
Comment: NUP188: BP4, BP7

PreventionGenetics, part of Exact Sciences
Classification: Benign for NUP188-related condition. Last evaluated: 2019-11-11. Review status: no assertion criteria provided. Collection method: clinical testing. Allele origin: germline. Not counted in ClinVar's aggregate classification.
Comment: This variant is classified as benign based on ACMG/AMP sequence variant interpretation guidelines (Richards et al. 2015 PMID: 25741868, with internal and published modifications).

NM_015354.3(NUP188):c.456C>T (p.His152=)

Gene: NUP188 (nucleoporin 188; plus strand). Cytogenetic location: 9q34.11.
Variant type: single nucleotide variant.
Coding change: c.456C>T on transcript NM_015354.3 (MANE Select); coding-DNA position 456, C replaced by T.
Protein change: p.His152=; no amino-acid change (histidine 152 retained).
Molecular consequence: synonymous variant.
Genome position (GRCh38, 1-based): chr9:128,958,885, C>T. VCF-style: chr9-128958885-C-T. GRCh37 (hg19) VCF-style: chr9-131721164-C-T.
Identifiers: ClinVar variation 3046084 (VCV003046084.3), dbSNP rs17481212, ClinGen allele CA5272013.
Genomic context (GRCh38, chr9:128,958,885, plus strand): 5'-AAGAACCTGTATTCTTCGTTGTGTCTTACACCTTCTCACTTACTTCCAAGATGAAAGACA[C>T]CCCTATAGGGTAAGCTTGTTTAGTCCTCTTGCTTCTCTTTATACTGTATCATCTTAATAA-3'
Protein context (NP_056169.1, residues 142-162): HLLTYFQDER[His152=]PYRVEYADCV